The following is an entry in ClinVar:

ClinVar aggregate classification (germline): Uncertain significance (1 of 4 stars; one submission).

Submission:

Labcorp Genetics (formerly Invitae), Labcorp
Classification: Uncertain significance. Last evaluated: 2022-04-18. Review status: criteria provided, single submitter. Criteria: Invitae Variant Classification Sherloc (09022015). Collection method: clinical testing. Allele origin: germline.
Comment: This sequence change replaces glycine, which is neutral and non-polar, with serine, which is neutral and polar, at codon 953 of the LAMC3 protein (p.Gly953Ser). In summary, the available evidence is currently insufficient to determine the role of this variant in disease. Therefore, it has been classified as a Variant of Uncertain Significance. Algorithms developed to predict the effect of missense changes on protein structure and function are either unavailable or do not agree on the potential impact of this missense change (SIFT: "Tolerated"; PolyPhen-2: "Probably Damaging"; Align-GVGD: "Class C0"). This variant has not been reported in the literature in individuals affected with LAMC3-related conditions. This variant is not present in population databases (gnomAD no frequency).

NM_006059.4(LAMC3):c.2857G>A (p.Gly953Ser)

Gene: LAMC3 (laminin subunit gamma 3; plus strand). Cytogenetic location: 9q34.12.
Variant type: single nucleotide variant.
Coding change: c.2857G>A on transcript NM_006059.4 (MANE Select); coding-DNA position 2857, G replaced by A.
Protein change: p.Gly953Ser; replaces glycine 953 with serine.
Molecular consequence: missense variant.
Genome position (GRCh38, 1-based): chr9:131,069,017, G>A. VCF-style: chr9-131069017-G-A. GRCh37 (hg19) VCF-style: chr9-133944404-G-A.
Other names: short protein forms G953S.
Identifiers: ClinVar variation 2124869 (VCV002124869.4), dbSNP rs1829993255, ClinGen allele CA375254998.